The following is an entry in ClinVar:

NM_006421.5(ARFGEF1):c.401T>C (p.Ile134Thr)

Gene: ARFGEF1 (ARF guanine nucleotide exchange factor 1; minus strand). Cytogenetic location: 8q13.2.
Variant type: single nucleotide variant.
Coding change: c.401T>C on transcript NM_006421.5 (MANE Select); coding-DNA position 401, T replaced by C.
Protein change: p.Ile134Thr; replaces isoleucine 134 with threonine.
Molecular consequence: missense variant. On other transcripts: 5 prime UTR variant (4), non-coding transcript variant (1).
Genome position (GRCh38, 1-based): chr8:67,299,267, A>G on the plus strand (T>C on the coding strand, the complement: ARFGEF1 is on the minus strand). VCF-style: chr8-67299267-A-G. GRCh37 (hg19) VCF-style: chr8-68211502-A-G.
Other names: c.401T>C, p.Ile134Thr (NM_001413184.1, NM_001413185.1, NM_001413186.1 and 7 more transcripts); c.-200T>C (NM_001413188.1, NM_001413193.1, NM_001413197.1); c.-715T>C (NM_001413196.1); short protein forms I134T.
Identifiers: ClinVar variation 4070737 (VCV004070737.1).

ClinVar aggregate classification (germline): Uncertain significance (1 of 4 stars; one submission).

Submission:

GeneDx
Classification: Uncertain significance. Last evaluated: 2025-01-18. Review status: criteria provided, single submitter. Criteria: GeneDx Variant Classification Process June 2021. Collection method: clinical testing. Allele origin: germline. Affected: yes.
Comment: Not observed at significant frequency in large population cohorts (gnomAD); In silico analysis supports that this missense variant has a deleterious effect on protein structure/function; Has not been previously published as pathogenic or benign to our knowledge